The following is an entry in ClinVar:

ClinVar aggregate classification (germline): Uncertain significance. Review status: criteria provided, multiple submitters, no conflicts (2 of 4 stars). 2 submissions from 2 submitters: Uncertain significance (2). Last evaluated 2022-04-28.

Conditions:
Primary ciliary dyskinesia 9. Also called: CILIARY DYSKINESIA, PRIMARY, 9, WITH OR WITHOUT SITUS INVERSUS. Identifiers: Orphanet 244, MedGen C2676235, MONDO:0012906, OMIM 612444.
Primary ciliary dyskinesia. Also called: Ciliary dyskinesia. Identifiers: Orphanet 244, MedGen C0008780, MONDO:0016575, HP:0012265.

gnomAD v4.1: 5 of 1,613,416 alleles (0.00031%); highest among the groups gnomAD compares: East Asian, 0.0089%; no homozygotes.

Submissions (2):

Fulgent Genetics
Classification: Uncertain significance for Primary ciliary dyskinesia 9. Last evaluated: 2022-04-28. Review status: criteria provided, single submitter. Criteria: ACMG Guidelines, 2015. Collection method: clinical testing. Allele origin: unknown.

Labcorp Genetics (formerly Invitae), Labcorp
Classification: Uncertain significance for Primary ciliary dyskinesia. Last evaluated: 2021-10-09. Review status: criteria provided, single submitter. Criteria: Invitae Variant Classification Sherloc (09022015). Collection method: clinical testing. Allele origin: germline.
Comment: This sequence change replaces arginine with glycine at codon 263 of the DNAI2 protein (p.Arg263Gly). The arginine residue is highly conserved and there is a moderate physicochemical difference between arginine and glycine. This variant is present in population databases (rs137852998, ExAC 0.01%). This variant has not been reported in the literature in individuals affected with DNAI2-related conditions. Algorithms developed to predict the effect of missense changes on protein structure and function are either unavailable or do not agree on the potential impact of this missense change (SIFT: "Deleterious"; PolyPhen-2: "Possibly Damaging"; Align-GVGD: "Class C0"). In summary, the available evidence is currently insufficient to determine the role of this variant in disease. Therefore, it has been classified as a Variant of Uncertain Significance.

NM_023036.6(DNAI2):c.787C>G (p.Arg263Gly)

Gene: DNAI2 (dynein axonemal intermediate chain 2; plus strand). Cytogenetic location: 17q25.1.
Variant type: single nucleotide variant.
Coding change: c.787C>G on transcript NM_023036.6 (MANE Select); coding-DNA position 787, C replaced by G.
Protein change: p.Arg263Gly; replaces arginine 263 with glycine.
Molecular consequence: missense variant. On other transcripts: non-coding transcript variant (1).
Genome position (GRCh38, 1-based): chr17:74,299,780, C>G. VCF-style: chr17-74299780-C-G. GRCh37 (hg19) VCF-style: chr17-72295919-C-G.
Other names: c.787C>G, p.Arg263Gly (NM_001172810.3, NM_001353167.2); short protein forms R263G.
Identifiers: ClinVar variation 1496671 (VCV001496671.4), dbSNP rs137852998, ClinGen allele CA8745491.